The following is an entry in ClinVar:

NM_144773.4(PROKR2):c.629A>G (p.Gln210Arg)

Gene: PROKR2 (prokineticin receptor 2; minus strand). Cytogenetic location: 20p12.3.
Variant type: single nucleotide variant.
Coding change: c.629A>G on transcript NM_144773.4 (MANE Select); coding-DNA position 629, A replaced by G.
Protein change: p.Gln210Arg; replaces glutamine 210 with arginine.
Molecular consequence: missense variant.
Genome position (GRCh38, 1-based): chr20:5,302,566, T>C on the plus strand (A>G on the coding strand, the complement: PROKR2 is on the minus strand). VCF-style: chr20-5302566-T-C. GRCh37 (hg19) VCF-style: chr20-5283212-T-C.
Other names: short protein forms Q210R.
Identifiers: ClinVar variation 3450 (VCV000003450.4), dbSNP rs74315417, ClinGen allele CA259600.
Genomic context (GRCh38, chr20:5,302,566, plus strand): 5'-ACACCAAAGATGAAGAGGAAGTAGGACTTGTAGTAGAGCTGCTGATCCACAGGCCAGATC[T>C]GGCCACAGAAGATCTTCTCCTGGCTCTTGACAATAAAGAGGACCGTTTCTGTTGCAAAGT-3'
Protein context (NP_658986.1, residues 200-220): VKSQEKIFCG[Gln210Arg]IWPVDQQLYY

ClinVar aggregate classification (germline): Conflicting classifications of pathogenicity. Review status: criteria provided, conflicting classifications (1 of 4 stars). 3 submissions from 3 submitters: Likely pathogenic (1); Uncertain significance (1). 1 of the submissions does not count toward it. Last evaluated 2024-05-23.

Conditions:
Hypogonadotropic hypogonadism 3 with or without anosmia (HH3). Also called: HYPOGONADOTROPIC HYPOGONADISM 3 WITH ANOSMIA; PROKR2-Related GnRH Deficiency (Kallmann Syndrome 3). Identifiers: Orphanet 478, MedGen C3550478, MONDO:0009482, OMIM 244200.

Allele frequency attached by ClinVar (database versions not stated): gnomAD 0.00001; TOPMed 0.00002.
gnomAD v4.1: 12 of 1,614,138 alleles (0.00074%); highest among the groups gnomAD compares: Non-Finnish European, 0.001%; no homozygotes.

Submissions (3):

Fulgent Genetics
Classification: Likely pathogenic for Hypogonadotropic hypogonadism 3 with or without anosmia. Last evaluated: 2024-05-23. Review status: criteria provided, single submitter. Criteria: ACMG Guidelines, 2015. Collection method: clinical testing. Allele origin: germline.

Women's Health and Genetics/Laboratory Corporation of America, LabCorp
Classification: Uncertain significance. Last evaluated: 2021-11-26. Review status: criteria provided, single submitter. Criteria: LabCorp Variant Classification Summary - May 2015. Collection method: clinical testing. Allele origin: germline.
Comment: Variant summary: PROKR2 c.629A>G (p.Gln210Arg) results in a conservative amino acid change located in the GPCR, rhodopsin-like, 7TM domain (IPR017452) of the encoded protein sequence. Three of five in-silico tools predict a benign effect of the variant on protein function. The variant allele was found at a frequency of 8e-06 in 251480 control chromosomes. c.629A>G has been reported in the literature as segregating in a semi-dominant mode of transmission with isolated anosmia when inherited alone and anosmia with hypogonadism when inherited as a compound heterozygote with another PROKR2 variant, c.518T>G (p.Leu173Arg) in individuals from one family that have been subsequently cited by others (example, Dode_2006, Sarfati_2013). These data indicate that the variant may be associated with disease. At least two publications report conflicting experimental evidence evaluating an impact on protein function. The most pronounced variant effect results in complete loss of PROK2 binding activity (example, Sbai_2014) while another recent study showed conflicting results with a prediction of a homozygous genotype being likely pathogenic and a heterozygous genotype being likely benign (Cox_2018). No clinical diagnostic laboratories have submitted clinical-significance assessments for this variant to ClinVar after 2014. Based on the evidence outlined above, the variant was classified as VUS-possibly pathogenic.

OMIM
Classification: Pathogenic for HYPOGONADOTROPIC HYPOGONADISM 3 WITH ANOSMIA. Last evaluated: 2009-01-01. Review status: no assertion criteria provided. Collection method: literature only. Allele origin: germline. Not counted in ClinVar's aggregate classification.

Literature cited by the submitters: PubMed 29161432 (cited by Women's Health and Genetics/Laboratory Corporation of America, LabCorp); PubMed 18985070 (cited by Women's Health and Genetics/Laboratory Corporation of America, LabCorp); PubMed 17054399 (cited by Women's Health and Genetics/Laboratory Corporation of America, LabCorp and OMIM); PubMed 24031091 (cited by Women's Health and Genetics/Laboratory Corporation of America, LabCorp); PubMed 24830383 (cited by Women's Health and Genetics/Laboratory Corporation of America, LabCorp); PubMed 18826963 (cited by OMIM).